The following is an entry in ClinVar:

ClinVar aggregate classification (germline): Conflicting classifications of pathogenicity. Review status: criteria provided, conflicting classifications (1 of 4 stars). 4 submissions from 3 submitters: Uncertain significance (2); Likely benign (2). Last evaluated 2024-09-01.

Conditions:
Emery-Dreifuss muscular dystrophy 4, autosomal dominant (EDMD4). Also called: EMERY-DREIFUSS MUSCULAR DYSTROPHY 4 WITH VARIABLE FEATURES. Identifiers: Orphanet 261, MedGen C2751807, MONDO:0013071, OMIM 612998.
Autosomal recessive ataxia, Beauce type. Also called: SYNE1 Deficiency; ATAXIA, RECESSIVE, OF BEAUCE; SYNE1-Related Autosomal Recessive Cerebellar Ataxia; Spinocerebellar ataxia, autosomal recessive 8. Identifiers: Orphanet 88644, MedGen C1853116, MONDO:0012549, OMIM 610743.

Allele frequency attached by ClinVar (database versions not stated): gnomAD 0.00004; TOPMed 0.00007; ESP Exome Variant Server 0.00008.
gnomAD v4.1: 63 of 1,614,048 alleles (0.0039%); highest among the groups gnomAD compares: Non-Finnish European, 0.0051%; no homozygotes.

Submissions (4):

CeGaT Center for Human Genetics Tuebingen
Classification: Likely benign. Last evaluated: 2024-09-01. Review status: criteria provided, single submitter. Criteria: CeGaT Center For Human Genetics Tuebingen Variant Classification Criteria Version 2. Collection method: clinical testing. Allele origin: germline. Affected: yes. Observed: 1 variant allele.
Comment: SYNE1: BP4, BP7

Labcorp Genetics (formerly Invitae), Labcorp
Classification: Likely benign for Emery-Dreifuss muscular dystrophy 4, autosomal dominant; Autosomal recessive ataxia, Beauce type. Last evaluated: 2023-12-19. Review status: criteria provided, single submitter. Criteria: Invitae Variant Classification Sherloc (09022015). Collection method: clinical testing. Allele origin: germline.

Illumina Laboratory Services, Illumina
Classification: Uncertain significance for Autosomal recessive ataxia, Beauce type. Last evaluated: 2018-01-12. Review status: criteria provided, single submitter. Criteria: ICSL Variant Classification Criteria 13 December 2019. Collection method: clinical testing. Allele origin: germline.

Illumina Laboratory Services, Illumina
Classification: Uncertain significance for Emery-Dreifuss muscular dystrophy 4, autosomal dominant. Last evaluated: 2018-01-12. Review status: criteria provided, single submitter. Criteria: ICSL Variant Classification Criteria 13 December 2019. Collection method: clinical testing. Allele origin: germline.

NM_182961.4(SYNE1):c.23335T>C (p.Leu7779=)

Gene: SYNE1 (spectrin repeat containing nuclear envelope protein 1; minus strand). Cytogenetic location: 6q25.2.
Variant type: single nucleotide variant.
Coding change: c.23335T>C on transcript NM_182961.4 (MANE Select); coding-DNA position 23335, T replaced by C.
Protein change: p.Leu7779=; no amino-acid change (leucine 7779 retained).
Molecular consequence: synonymous variant. On other transcripts: 5 prime UTR variant (1).
Genome position (GRCh38, 1-based): chr6:152,180,261, A>G on the plus strand (T>C on the coding strand, the complement: SYNE1 is on the minus strand). VCF-style: chr6-152180261-A-G. GRCh37 (hg19) VCF-style: chr6-152501396-A-G.
Other names: c.-60T>C (NM_001347701.2); c.23122T>C, p.Leu7708= (NM_033071.5).
Identifiers: ClinVar variation 355821 (VCV000355821.23), dbSNP rs200800604, ClinGen allele CA4053620.